The following is an entry in ClinVar:

NM_006267.5(RANBP2):c.1172C>G (p.Ser391Cys)

Gene: RANBP2 (RAN binding protein 2; plus strand). Cytogenetic location: 2q13.
Variant type: single nucleotide variant.
Coding change: c.1172C>G on transcript NM_006267.5 (MANE Select); coding-DNA position 1172, C replaced by G.
Protein change: p.Ser391Cys; replaces serine 391 with cysteine.
Molecular consequence: missense variant.
Genome position (GRCh38, 1-based): chr2:108,749,028, C>G. VCF-style: chr2-108749028-C-G. GRCh37 (hg19) VCF-style: chr2-109365484-C-G.
Other names: short protein forms S391C.
Identifiers: ClinVar variation 452950 (VCV000452950.2), dbSNP rs1553487968, ClinGen allele CA348046858.

ClinVar aggregate classification (germline): Uncertain significance (1 of 4 stars; one submission).

Submission:

GeneDx
Classification: Uncertain significance. Last evaluated: 2017-10-20. Review status: criteria provided, single submitter. Criteria: GeneDx Variant Classification (06012015). Collection method: clinical testing. Allele origin: germline. Affected: yes.
Comment: The S391C variant has not been published as a pathogenic variant, nor has it been reported as a benign variant to our knowledge. The S391C variant is not observed in large population cohorts (Lek et al., 2016). The S391C variant is a non-conservative amino acid substitution, which is likely to impact secondary protein structure as these residues differ in polarity, charge, size and/or other properties. However, this substitution occurs at a position that is not conserved. In silico analysis is inconsistent in its predictions as to whether or not the variant is damaging to the protein structure/function. Therefore, based on the currently available information, it is unclear whether this variant is a pathogenic variant or a rare benign variant.